The following is an entry in ClinVar:

GRCh38/hg38 5q11.2-13.2(chr5:58785203-73519962)x1

Genes: BTF3 (basic transcription factor 3; plus strand), HTR1A (5-hydroxytryptamine receptor 1A; minus strand), SNORA50D (small nucleolar RNA, H/ACA box 50D; plus strand), TMEM171 (transmembrane protein 171; plus strand), SREK1IP1 (SREK1 interacting protein 1; minus strand) and 264 more. Cytogenetic location: 5q11.2-13.2.
Variant type: copy number loss.
Change: copy number 1 (one copy instead of two) of chr5:58,785,203-73,519,962 (14.73 Mb, GRCh38 coordinates, 1-based), cytogenetic band 5q11.2-13.2.
Identifiers: ClinVar variation 800723 (VCV000800723.1).

ClinVar aggregate classification (germline): Likely pathogenic (0 of 4 stars; one submission).

Conditions:
Intellectual disability. Also called: Intellectual functioning disability; Intellectual developmental disorder; intellectual disabilities. Identifiers: MedGen C3714756, MeSH D008607, MONDO:0001071, HP:0001249.

Submission:

deCODE genetics, Amgen
Classification: Likely pathogenic for Intellectual disability. Review status: no assertion criteria provided. Collection method: research. Allele origin: de novo. Inheritance: Autosomal dominant inheritance. Affected: yes. Observed: 1 variant allele.
Comment: variant was de novo in FAM4 (see PMID:30150678)

Literature cited by the submitters: PubMed 30150678.